The following is an entry in ClinVar:

ClinVar aggregate classification (germline): Uncertain significance (1 of 4 stars; one submission).

Conditions:
Giant axonal neuropathy 1 (GAN1). Also called: GIANT AXONAL NEUROPATHY 1, AUTOSOMAL RECESSIVE; GAN-Related Neurodegeneration. Identifiers: Orphanet 643, MedGen C1850386, MONDO:0009749, OMIM 256850.

Allele frequency attached by ClinVar (database versions not stated): gnomAD exomes 0.00001 and 0.00002; gnomAD below 0.00001 and 0.00003; ExAC 0.00004.
gnomAD v4.1: 25 of 1,609,548 alleles (0.0016%); highest among the groups gnomAD compares: South Asian, 0.025%; no homozygotes.

Submission:

Labcorp Genetics (formerly Invitae), Labcorp
Classification: Uncertain significance for Giant axonal neuropathy 1. Last evaluated: 2024-02-17. Review status: criteria provided, single submitter. Criteria: Invitae Variant Classification Sherloc (09022015). Collection method: clinical testing. Allele origin: germline.
Comment: This sequence change replaces glutamine, which is neutral and polar, with glutamic acid, which is acidic and polar, at codon 339 of the GAN protein (p.Gln339Glu). This variant is present in population databases (rs759342719, gnomAD 0.02%). This variant has not been reported in the literature in individuals affected with GAN-related conditions. ClinVar contains an entry for this variant (Variation ID: 656077). Advanced modeling of protein sequence and biophysical properties (such as structural, functional, and spatial information, amino acid conservation, physicochemical variation, residue mobility, and thermodynamic stability) performed at Invitae indicates that this missense variant is not expected to disrupt GAN protein function with a negative predictive value of 80%. In summary, the available evidence is currently insufficient to determine the role of this variant in disease. Therefore, it has been classified as a Variant of Uncertain Significance.

NM_022041.4(GAN):c.1015C>G (p.Gln339Glu)

Gene: GAN (gigaxonin; plus strand). Cytogenetic location: 16q23.2.
Variant type: single nucleotide variant.
Coding change: c.1015C>G on transcript NM_022041.4 (MANE Select); coding-DNA position 1015, C replaced by G.
Protein change: p.Gln339Glu; replaces glutamine 339 with glutamic acid.
Molecular consequence: missense variant.
Genome position (GRCh38, 1-based): chr16:81,362,540, C>G. VCF-style: chr16-81362540-C-G. GRCh37 (hg19) VCF-style: chr16-81396145-C-G.
Other names: c.376C>G, p.Gln126Glu (NM_001377486.1); short protein forms Q339E, Q126E.
Identifiers: ClinVar variation 656077 (VCV000656077.8), dbSNP rs759342719, ClinGen allele CA8191579.
Genomic context (GRCh38, chr16:81,362,540, plus strand): 5'-TTTCCTTTGATCTTTGCAGAAGGATTTTTGTTTGTATTCGGGGGCCAAGATGAAAATAAG[C>G]AGACTCTTAGCTCAGGAGAAAAGTATGATCCAGATGCAAATACATGGACAGCATTGCCAC-3'
Protein context (NP_071324.1, residues 329-349): FVFGGQDENK[Gln339Glu]TLSSGEKYDP